The following is an entry in ClinVar:

NM_020937.4(FANCM):c.4355C>G (p.Ala1452Gly)

Gene: FANCM (FA complementation group M; plus strand). Cytogenetic location: 14q21.2.
Variant type: single nucleotide variant.
Coding change: c.4355C>G on transcript NM_020937.4 (MANE Select); coding-DNA position 4355, C replaced by G.
Protein change: p.Ala1452Gly; replaces alanine 1452 with glycine.
Molecular consequence: missense variant.
Genome position (GRCh38, 1-based): chr14:45,181,674, C>G. VCF-style: chr14-45181674-C-G. GRCh37 (hg19) VCF-style: chr14-45650877-C-G.
Other names: c.4277C>G, p.Ala1426Gly (NM_001308133.2); short protein forms A1426G, A1452G.
Identifiers: ClinVar variation 4254678 (VCV004254678.1).

ClinVar aggregate classification (germline): Uncertain significance (1 of 4 stars; one submission).

Conditions:
Inborn genetic diseases. Identifiers: MedGen C0950123, MeSH D030342.

Submission:

Ambry Genetics
Classification: Uncertain significance for Inborn genetic diseases. Last evaluated: 2025-08-19. Review status: criteria provided, single submitter. Criteria: Ambry Variant Classification Scheme 2023. Collection method: clinical testing. Allele origin: germline.
Comment: The p.A1452G variant (also known as c.4355C>G), located in coding exon 16 of the FANCM gene, results from a C to G substitution at nucleotide position 4355. The alanine at codon 1452 is replaced by glycine, an amino acid with similar properties. This amino acid position is conserved. In addition, this alteration is predicted to be tolerated by in silico analysis. Based on the available evidence, the clinical significance of this variant remains unclear.